The following is an entry in ClinVar:

NM_206937.2(LIG4):c.879_883del (p.Asn294fs)

Gene: LIG4 (DNA ligase 4; minus strand). Cytogenetic location: 13q33.3.
Variant type: Deletion.
Coding change: c.879_883del on transcript NM_206937.2 (MANE Select); coding-DNA positions 879 to 883, 5 bases deleted (AAATG; older notation c.879_883delAAATG).
Protein change: p.Asn294fs; shifts the reading frame from asparagine 294.
Molecular consequence: frameshift variant.
Genome position (GRCh38, 1-based): chr13:108,210,386-108,210,390, CATTT deleted on the plus strand (AAATG on the coding strand, the reverse complement: LIG4 is on the minus strand); deleting any 5 consecutive bases within chr13:108,210,386-108,210,391 gives the same sequence; the c. name uses the placement nearest the transcript's 3' end. VCF-style (leftmost placement, unchanged base first): chr13-108210385-CCATTT-C. GRCh37 (hg19) VCF-style: chr13-108862733-CCATTT-C.
Other names: c.879_883del, p.Asn294fs (NM_001098268.2, NM_001352598.2, NM_001352599.2 and 6 more transcripts); c.678_682del, p.Asn227fs (NM_001330595.2); c.915_919del, p.Asn306fs (NM_001352604.2); short protein forms N306fs, N294fs, N227fs.
Identifiers: ClinVar variation 505512 (VCV000505512.13), dbSNP rs751070095, ClinGen allele CA7043785.

ClinVar aggregate classification (germline): Pathogenic/Likely pathogenic. Review status: criteria provided, multiple submitters, no conflicts (2 of 4 stars). 3 submissions from 3 submitters: Pathogenic (1); Likely pathogenic (2). Last evaluated 2024-11-21.

Conditions:
Multiple myeloma (MM). Also called: Multiple myeloma, somatic; Plasma cell myeloma. Identifiers: Orphanet 29073, Orphanet 85443, MedGen C0026764, MeSH D009101, MONDO:0009693, OMIM 254500, HP:0006775.
DNA ligase IV deficiency. Identifiers: Orphanet 99812, MedGen C1847827, MONDO:0011686, OMIM 606593.

Submissions (3):

Labcorp Genetics (formerly Invitae), Labcorp
Classification: Pathogenic for DNA ligase IV deficiency. Last evaluated: 2024-11-21. Review status: criteria provided, single submitter. Criteria: Invitae Variant Classification Sherloc (09022015). Collection method: clinical testing. Allele origin: germline.
Comment: This sequence change creates a premature translational stop signal (p.Asn294Ilefs*2) in the LIG4 gene. While this is not anticipated to result in nonsense mediated decay, it is expected to disrupt the last 618 amino acid(s) of the LIG4 protein. This variant is present in population databases (rs751070095, gnomAD 0.009%). This variant has not been reported in the literature in individuals affected with LIG4-related conditions. ClinVar contains an entry for this variant (Variation ID: 505512). This variant disrupts a region of the LIG4 protein in which other variant(s) (p.Arg814*) have been determined to be pathogenic (PMID: 11779494, 16088910, 25239263, 27063650). This suggests that this is a clinically significant region of the protein, and that variants that disrupt it are likely to be disease-causing. For these reasons, this variant has been classified as Pathogenic.

Fulgent Genetics
Classification: Likely pathogenic for Multiple myeloma; DNA ligase IV deficiency. Last evaluated: 2024-03-18. Review status: criteria provided, single submitter. Criteria: ACMG Guidelines, 2015. Collection method: clinical testing. Allele origin: germline.

Laboratory for Molecular Medicine, Mass General Brigham Personalized Medicine
Classification: Likely pathogenic for DNA ligase IV deficiency. Last evaluated: 2016-12-22. Review status: criteria provided, single submitter. Criteria: LMM Criteria. Collection method: clinical testing. Allele origin: germline. Inheritance: Autosomal recessive inheritance. Observed: 1 variant allele.
Comment: The p.Asn294IlefsX2 (NM_206937.1 c.879_883delAAATG) variant in LIG4 has not bee n reported in the literature and was absent from large population studies. This variant is predicted to cause a frameshift, which alters the protein?s amino aci d sequence beginning at position 294 and leads to a premature termination codon 2 amino acids downstream. This alteration is then predicted to lead to a truncat ed or absent protein. Biallelic loss of function in LIG4 has been associated wit h LIG4 syndrome. In summary, although additional studies are required to fully e stablish a null effect on the protein, the p.Asn294IlefsX2 variant in LIG4 is li kely pathogenic for LIG4 syndrome in an autosomal recessive manner based upon it s predicted functional impact.

Literature cited by the submitters: PubMed 11779494 (cited by Labcorp Genetics (formerly Invitae), Labcorp); PubMed 16088910 (cited by Labcorp Genetics (formerly Invitae), Labcorp); PubMed 25239263 (cited by Labcorp Genetics (formerly Invitae), Labcorp); PubMed 27063650 (cited by Labcorp Genetics (formerly Invitae), Labcorp).